The following is an entry in ClinVar:

ClinVar aggregate classification (germline): Uncertain significance (1 of 4 stars; one submission).

Conditions:
Developmental and epileptic encephalopathy, 12 (DEE12). Identifiers: MedGen C3150988, MONDO:0013389, OMIM 613722.

Submission:

Labcorp Genetics (formerly Invitae), Labcorp
Classification: Uncertain significance for Developmental and epileptic encephalopathy, 12. Last evaluated: 2025-04-08. Review status: criteria provided, single submitter. Criteria: Invitae Variant Classification Sherloc (09022015). Collection method: clinical testing. Allele origin: germline.
Comment: This sequence change replaces leucine, which is neutral and non-polar, with arginine, which is basic and polar, at codon 505 of the PNKP protein (p.Leu505Arg). This variant is not present in population databases (gnomAD no frequency). This variant has not been reported in the literature in individuals affected with PNKP-related conditions. ClinVar contains an entry for this variant (Variation ID: 3665063). Invitae Evidence Modeling of protein sequence and biophysical properties (such as structural, functional, and spatial information, amino acid conservation, physicochemical variation, residue mobility, and thermodynamic stability) indicates that this missense variant is not expected to disrupt PNKP protein function with a negative predictive value of 80%. In summary, the available evidence is currently insufficient to determine the role of this variant in disease. Therefore, it has been classified as a Variant of Uncertain Significance.

NM_007254.4(PNKP):c.1514T>G (p.Leu505Arg)

Gene: PNKP (polynucleotide kinase 3'-phosphatase; minus strand). Cytogenetic location: 19q13.33.
Variant type: single nucleotide variant.
Coding change: c.1514T>G on transcript NM_007254.4 (MANE Select); coding-DNA position 1514, T replaced by G.
Protein change: p.Leu505Arg; replaces leucine 505 with arginine.
Molecular consequence: missense variant.
Genome position (GRCh38, 1-based): chr19:49,861,300, A>C on the plus strand (T>G on the coding strand, the complement: PNKP is on the minus strand). VCF-style: chr19-49861300-A-C. GRCh37 (hg19) VCF-style: chr19-50364557-A-C.
Other names: short protein forms L505R.
Identifiers: ClinVar variation 3665063 (VCV003665063.2).